The following is an entry in ClinVar:

NM_001846.4(COL4A2):c.3397C>T (p.Pro1133Ser)

Gene: COL4A2 (collagen type IV alpha 2 chain; plus strand). Cytogenetic location: 13q34.
Variant type: single nucleotide variant.
Coding change: c.3397C>T on transcript NM_001846.4 (MANE Select); coding-DNA position 3397, C replaced by T.
Protein change: p.Pro1133Ser; replaces proline 1133 with serine.
Molecular consequence: missense variant.
Genome position (GRCh38, 1-based): chr13:110,491,283, C>T. VCF-style: chr13-110491283-C-T. GRCh37 (hg19) VCF-style: chr13-111143630-C-T.
Other names: short protein forms P1133S.
Identifiers: ClinVar variation 932102 (VCV000932102.3), dbSNP rs1883277373, ClinGen allele CA388731765.

ClinVar aggregate classification (germline): Uncertain significance (1 of 4 stars; one submission).

Conditions:
Brain small vessel disease 2A, autosomal dominant. Also called: Porencephaly 2. Identifiers: Orphanet 2940, Orphanet 99810, MedGen C3280970, MONDO:0013773, OMIM 614483.

Submission:

Centre for Mendelian Genomics, University Medical Centre Ljubljana
Classification: Uncertain significance for Brain small vessel disease 2A, autosomal dominant. Last evaluated: 2019-06-11. Review status: criteria provided, single submitter. Criteria: ACMG Guidelines, 2015. Collection method: clinical testing. Allele origin: unknown. Affected: yes.
Comment: This variant was classified as: Uncertain significance. The available evidence on this variant's pathogenicity is insufficient or conflicting. The following ACMG criteria were applied in classifying this variant: PM2.